The following is an entry in ClinVar:

ClinVar aggregate classification (germline): Uncertain significance. Review status: criteria provided, multiple submitters, no conflicts (2 of 4 stars). 10 submissions from 10 submitters: Uncertain significance (7). 3 of the submissions do not count toward it. Last evaluated 2025-08-17.

Conditions:
BRCA2-related cancer predisposition. Identifiers: MedGen CN377758, MONDO:0700269.
Hereditary cancer-predisposing syndrome. Also called: Tumor predisposition; Neoplastic Syndromes, Hereditary; Hereditary neoplastic syndrome; Hereditary Cancer Syndrome. Identifiers: Orphanet 140162, MedGen C0027672, MeSH D009386, MONDO:0015356.
Hereditary breast ovarian cancer syndrome. Also called: Hereditary breast and ovarian cancer; Hereditary breast and ovarian cancer syndrome (HBOC); Hereditary breast and/or ovarian cancer syndrome; Breast and ovarian cancer; Hereditary breast and ovarian cancer syndrome; BRCA1- and BRCA2-Associated Hereditary Breast and Ovarian Cancer. Identifiers: Orphanet 145, MedGen C0677776, MeSH D061325, MONDO:0003582. Disease mechanism: loss of function.
Breast-ovarian cancer, familial, susceptibility to, 2 (BROVCA2). Also called: BRCA2 Hereditary Breast and Ovarian Cancer. Identifiers: Orphanet 145, MedGen C2675520, MONDO:0012933, OMIM 612555. Disease mechanism: loss of function.
Familial cancer of breast. Also called: Hereditary breast cancer; BREAST CANCER, FAMILIAL; hereditary breast carcinoma. Identifiers: Orphanet 227535, MedGen C0346153, MONDO:0016419, OMIM 114480. Disease mechanism: loss of function.
Malignant tumor of breast. Also called: Malignant breast neoplasm; Cancer breast. Identifiers: MedGen C0006142, MONDO:0007254. Disease mechanism: loss of function.

Allele frequency attached by ClinVar (database versions not stated): gnomAD exomes below 0.00001.
gnomAD v4.1: 4 of 1,614,144 alleles (0.00025%); highest among the groups gnomAD compares: Non-Finnish European, 0.00034%; no homozygotes.

Submissions (10):

Labcorp Genetics (formerly Invitae), Labcorp
Classification: Uncertain significance for Hereditary breast ovarian cancer syndrome. Last evaluated: 2025-08-17. Review status: criteria provided, single submitter. Criteria: Invitae Variant Classification Sherloc (09022015). Collection method: clinical testing. Allele origin: germline.
Comment: This sequence change replaces glutamine, which is neutral and polar, with arginine, which is basic and polar, at codon 3126 of the BRCA2 protein (p.Gln3126Arg). This variant is not present in population databases (gnomAD no frequency). This missense change has been observed in individual(s) with breast cancer (PMID: 32885271). ClinVar contains an entry for this variant (Variation ID: 38234). Invitae Evidence Modeling of protein sequence and biophysical properties (such as structural, functional, and spatial information, amino acid conservation, physicochemical variation, residue mobility, and thermodynamic stability) indicates that this missense variant is not expected to disrupt BRCA2 protein function with a negative predictive value of 95%. In summary, the available evidence is currently insufficient to determine the role of this variant in disease. Therefore, it has been classified as a Variant of Uncertain Significance.

Color Diagnostics, LLC DBA Color Health
Classification: Uncertain significance for Hereditary cancer-predisposing syndrome. Last evaluated: 2025-07-15. Review status: criteria provided, single submitter. Criteria: ACMG Guidelines, 2015. Collection method: clinical testing. Allele origin: germline.
Comment: This missense variant replaces glutamine with arginine at codon 3126 of the BRCA2 protein. Computational prediction is inconclusive regarding the impact of this variant on protein structure and function. To our knowledge, functional studies have not been reported for this variant. This variant has been reported in an individual affected with breast cancer (PMID: 32885271). This variant has not been identified in the general population by the Genome Aggregation Database (gnomAD). The available evidence is insufficient to determine the role of this variant in disease conclusively. Therefore, this variant is classified as a Variant of Uncertain Significance.

All of Us Research Program, National Institutes of Health
Classification: Uncertain significance for BRCA2-related cancer predisposition. Last evaluated: 2024-06-11. Review status: criteria provided, single submitter. Criteria: ACMG Guidelines, 2015. Collection method: clinical testing. Allele origin: germline. Inheritance: Autosomal dominant inheritance. Observed: 2 variant alleles, 2 heterozygotes.
Comment: This study involves interpretation of variants in research participants for the purpose of population health screening. Participant phenotype was not available at the time of variant classification. Additional details can be found in publication PMID: 35346344, PMCID: PMC8962531

Ambry Genetics
Classification: Uncertain significance for Hereditary cancer-predisposing syndrome. Last evaluated: 2024-03-13. Review status: criteria provided, single submitter. Criteria: Ambry Variant Classification Scheme 2023. Collection method: clinical testing. Allele origin: germline.
Comment: The p.Q3126R variant (also known as c.9377A>G), located in coding exon 24 of the BRCA2 gene, results from an A to G substitution at nucleotide position 9377. The glutamine at codon 3126 is replaced by arginine, an amino acid with highly similar properties. This variant was also observed in 1/3251 individuals who met eligibility criteria for hereditary breast and ovarian cancer syndrome (Lerner-Ellis J et al. J Cancer Res Clin Oncol, 2021 Mar;147:871-879). This amino acid position is highly conserved in available vertebrate species. In addition, the in silico prediction for this alteration is inconclusive. Since supporting evidence is limited at this time, the clinical significance of this alteration remains unclear.

Baylor Genetics
Classification: Uncertain significance for Familial cancer of breast. Last evaluated: 2023-10-16. Review status: criteria provided, single submitter. Criteria: ACMG Guidelines, 2015. Collection method: clinical testing. Allele origin: unknown.

GeneDx
Classification: Uncertain significance. Last evaluated: 2022-05-19. Review status: criteria provided, single submitter. Criteria: GeneDx Variant Classification Process June 2021. Collection method: clinical testing. Allele origin: germline. Affected: yes.
Comment: Not observed at significant frequency in large population cohorts (gnomAD); In silico analysis supports that this missense variant does not alter protein structure/function; Has not been previously published as pathogenic or benign to our knowledge; Also known as 9605A>G; This variant is associated with the following publications: (PMID: 12228710)

St. Jude Molecular Pathology, St. Jude Children's Research Hospital
Classification: Uncertain significance for Breast-ovarian cancer, familial, susceptibility to, 2. Last evaluated: 2022-02-10. Review status: criteria provided, single submitter. Criteria: St. Jude Assertion Criteria 2020. Collection method: clinical testing. Allele origin: germline.
Comment: The BRCA2 c.9377A>G (p.Gln3126Arg) missense change is absent in gnomAD v2.1.1 (PM2_supporting ). Six of seven in silico tools predict a deleterious effect of this variant on protein function (PP3), but to our knowledge these predictions have not been confirmed by functional assays. This variant has not been reported in women older than 70 years of age who have never had cancer. To our knowledge, this variant has not been reported in individuals with hereditary breast and ovarian cancer or Fanconi anemia. In summary, this variant meets criteria to be classified as of uncertain significance based on the ACMG/AMP criteria: PM2_supporitng, PP3.

Counsyl
Classification: Uncertain significance for Breast-ovarian cancer, familial, susceptibility to, 2. Last evaluated: 2018-05-23. Review status: no assertion criteria provided. Collection method: clinical testing. Allele origin: unknown. Not counted in ClinVar's aggregate classification.

Sharing Clinical Reports Project (SCRP)
Classification: Uncertain significance for Breast-ovarian cancer, familial 2. Last evaluated: 2010-11-15. Review status: no assertion criteria provided. Collection method: clinical testing. Allele origin: germline. Not counted in ClinVar's aggregate classification.

Department of Pathology and Laboratory Medicine, Sinai Health System
Classification: Uncertain significance for Malignant tumor of breast. Review status: no assertion criteria provided. Collection method: clinical testing. Allele origin: unknown. Affected: yes. Observed: 2 variant alleles. Study: The Canadian Open Genetics Repository (COGR). Not counted in ClinVar's aggregate classification.
Comment: The BRCA2 p.Gln3126Arg variant was not identified in the literature nor was it identified in the following databases: COGR, Cosmic, MutDB, LOVD 3.0, UMD-LSDB, BIC, ARUP Laboratories, Zhejiang Colon Cancer databases. The variant was identified in dbSNP (ID: rs397507426) as â€šÃ„ÃºWith Uncertain significance alleleâ€šÃ„Ã¹, and in the ClinVar and Clinvitae databases with uncertain significance by Ambry Genetics and Sharing Clinical Reports. The variant was not identified in the following control databases: the 1000 Genomes Project, the NHLBI GO Exome Sequencing Project, and the Exome Aggregation Consortium (August 8th 2016), or the Genome Aggregation Database (Feb 27, 2017). The p.Gln3126 residue is conserved in in mammals but not in more distantly related organisms and computational analyses (PolyPhen-2, SIFT, AlignGVGD, BLOSUM, MutationTaster) provide inconsistent predictions regarding the impact to the protein; this information is not very predictive of pathogenicity. The variant occurs outside of the splicing consensus sequence and 2 of 5 in silico or computational prediction software programs (MaxEntScan and HumanSpliceFinder) predict a greater than 10% difference in splicing; this is not very predictive of pathogenicity. In summary, based on the above information the clinical significance of this variant cannot be determined with certainty at this time. This variant is classified as a variant of uncertain significance.

Literature cited by the submitters: PubMed 32885271 (cited by 3 submitters).

NM_000059.4(BRCA2):c.9377A>G (p.Gln3126Arg)

Gene: BRCA2 (BRCA2 DNA repair associated; plus strand). Cytogenetic location: 13q13.1.
Variant type: single nucleotide variant.
Coding change: c.9377A>G on transcript NM_000059.4 (MANE Select); coding-DNA position 9377, A replaced by G.
Protein change: p.Gln3126Arg; replaces glutamine 3126 with arginine.
Molecular consequence: missense variant.
Genome position (GRCh38, 1-based): chr13:32,394,809, A>G. VCF-style: chr13-32394809-A-G. GRCh37 (hg19) VCF-style: chr13-32968946-A-G.
Other names: 9605A>G; short protein forms Q3126R.
Identifiers: ClinVar variation 38234 (VCV000038234.25), dbSNP rs397507426, ClinGen allele CA026124.